The following is an entry in ClinVar:

NM_006767.4(LZTR1):c.200+3A>G

Gene: LZTR1 (leucine zipper like post translational regulator 1; plus strand). Cytogenetic location: 22q11.21.
Variant type: single nucleotide variant.
Coding change: c.200+3A>G on transcript NM_006767.4 (MANE Select); 3 bases into the intron after coding-DNA position 200, A replaced by G.
Molecular consequence: intron variant.
Genome position (GRCh38, 1-based): chr22:20,982,574, A>G. VCF-style: chr22-20982574-A-G. GRCh37 (hg19) VCF-style: chr22-21336863-A-G.
Other names: c.200+3A>G (NM_006767.3).
Identifiers: ClinVar variation 2676386 (VCV002676386.5), dbSNP rs1335357652, ClinGen allele CA638942442.
Genomic context (GRCh38, chr22:20,982,574, plus strand): 5'-TCGAAACAGTGCATCGCTGGCGGCGCCTCCCGCCCTGCGACGAGTTCGTGGGTGCCCGGT[A>G]CGGTGGGCTTCATGGGGTCCTGAGGACAGGAAGGGCGATCTGCGAGGGTCCCAGGGCGGG-3'

ClinVar aggregate classification (germline): Uncertain significance. Review status: criteria provided, multiple submitters, no conflicts (2 of 4 stars). 3 submissions from 3 submitters: Uncertain significance (3). Last evaluated 2026-06-29.

Conditions:
LZTR1-related schwannomatosis. Also called: Schwannomatosis 2; Schwannomatosis-2, susceptibility to. Identifiers: Orphanet 93921, MedGen C3810283, MONDO:0014299, OMIM 615670.
Cardiovascular phenotype. Identifiers: MedGen CN230736.
Hereditary cancer-predisposing syndrome. Also called: Hereditary neoplastic syndrome; Hereditary Cancer Syndrome; Neoplastic Syndromes, Hereditary; Tumor predisposition. Identifiers: Orphanet 140162, MedGen C0027672, MeSH D009386, MONDO:0015356.

Allele frequency attached by ClinVar (database versions not stated): gnomAD exomes below 0.00001.
gnomAD v4.1: 2 of 1,611,020 alleles (0.00012%); highest among the groups gnomAD compares: Non-Finnish European, 0.000085%; no homozygotes.

Submissions (3):

Ambry Genetics
Classification: Uncertain significance for Cardiovascular phenotype; Hereditary cancer-predisposing syndrome. Last evaluated: 2026-06-29. Review status: criteria provided, single submitter. Criteria: Ambry Variant Classification Scheme 2023. Collection method: clinical testing. Allele origin: germline.
Comment: The c.200+3A>G intronic variant results from an A to G substitution 3 nucleotides after coding exon 1 in the LZTR1 gene. This nucleotide position is well conserved in available vertebrate species. In silico splice site analysis predicts that this alteration may result in the creation or strengthening of a novel splice donor site. Based on the available evidence, the clinical significance of this variant remains unclear.

Labcorp Genetics (formerly Invitae), Labcorp
Classification: Uncertain significance. Last evaluated: 2024-05-13. Review status: criteria provided, single submitter. Criteria: Invitae Variant Classification Sherloc (09022015). Collection method: clinical testing. Allele origin: germline.
Comment: This sequence change falls in intron 1 of the LZTR1 gene. It does not directly change the encoded amino acid sequence of the LZTR1 protein. It affects a nucleotide within the consensus splice site. This variant is present in population databases (no rsID available, gnomAD 0.003%). This variant has not been reported in the literature in individuals affected with LZTR1-related conditions. Variants that disrupt the consensus splice site are a relatively common cause of aberrant splicing (PMID: 17576681, 9536098). Algorithms developed to predict the effect of sequence changes on RNA splicing suggest that this variant may disrupt the consensus splice site. In summary, the available evidence is currently insufficient to determine the role of this variant in disease. Therefore, it has been classified as a Variant of Uncertain Significance.

Baylor Genetics
Classification: Uncertain significance for LZTR1-related schwannomatosis. Last evaluated: 2023-10-03. Review status: criteria provided, single submitter. Criteria: ACMG Guidelines, 2015. Collection method: clinical testing. Allele origin: unknown.

Literature cited by the submitters: PubMed 17576681 (cited by Labcorp Genetics (formerly Invitae), Labcorp); PubMed 9536098 (cited by Labcorp Genetics (formerly Invitae), Labcorp).